The following is an entry in ClinVar:

NM_001184880.2(PCDH19):c.1521dup (p.Ile508fs)

Gene: PCDH19 (protocadherin 19; minus strand). Cytogenetic location: Xq22.1.
Variant type: Duplication.
Coding change: c.1521dup on transcript NM_001184880.2 (MANE Select); coding-DNA position 1521, one base duplicated (C; older notation c.1521dupC).
Protein change: p.Ile508fs; shifts the reading frame from isoleucine 508.
Molecular consequence: frameshift variant.
Genome position (GRCh38, 1-based): chrX:100,407,077, G duplicated on the plus strand (C on the coding strand, the reverse complement: PCDH19 is on the minus strand); the first of 2 consecutive G bases (chrX:100,407,077-100,407,078); duplicating either gives the same sequence. VCF-style (leftmost placement, unchanged base first): chrX-100407076-T-TG. GRCh37 (hg19) VCF-style: chrX-99662074-T-TG.
Other names: c.1521dup, p.Ile508fs (NM_001105243.2, NM_020766.3); c.1521dupC (NM_001184880.1); short protein forms I508fs.
Identifiers: ClinVar variation 533849 (VCV000533849.12), dbSNP rs1131691646, ClinGen allele CA658799824.

ClinVar aggregate classification (germline): Pathogenic (1 of 4 stars; one submission).

Conditions:
Developmental and epileptic encephalopathy, 9 (DEE9). Also called: Early infantile epileptic encephalopathy 9; EPILEPSY, FEMALE-RESTRICTED, WITH MENTAL RETARDATION; PCDH19-Related X-Linked Female-Limited Epilepsy with Mental Retardation; JUBERG-HELLMAN SYNDROME. Identifiers: Orphanet 101039, Orphanet 2076, MedGen C1848137, MONDO:0010246, OMIM 300088. Disease mechanism: loss of function.

Submission:

Labcorp Genetics (formerly Invitae), Labcorp
Classification: Pathogenic for Developmental and epileptic encephalopathy, 9. Last evaluated: 2025-07-08. Review status: criteria provided, single submitter. Criteria: Invitae Variant Classification Sherloc (09022015). Collection method: clinical testing. Allele origin: germline.
Comment: This sequence change creates a premature translational stop signal (p.Ile508Hisfs*15) in the PCDH19 gene. It is expected to result in an absent or disrupted protein product. Loss-of-function variants in PCDH19 are known to be pathogenic (PMID: 21053371). This variant is not present in population databases (gnomAD no frequency). This premature translational stop signal has been observed in individual(s) with focal seizures and motor semiology and focal epilepsy and mild intellectual disability (PMID: 20713952, 22946748). In at least one individual the variant was observed to be de novo. ClinVar contains an entry for this variant (Variation ID: 533849). For these reasons, this variant has been classified as Pathogenic.

Literature cited by the submitters: PubMed 21053371; PubMed 20713952; PubMed 22946748.